The following is an entry in ClinVar:

ClinVar aggregate classification (germline): Uncertain significance (1 of 4 stars; one submission).

Conditions:
Cranioectodermal dysplasia 1 (CED1). Also called: LEVIN SYNDROME I. Identifiers: Orphanet 1515, MedGen C0432235, MONDO:0021093, OMIM 218330.

Allele frequency attached by ClinVar (database versions not stated): TOPMed below 0.00001; ExAC 0.00001; gnomAD exomes 0.00001 and 0.00004; gnomAD 0.00002.

Submission:

Labcorp Genetics (formerly Invitae), Labcorp
Classification: Uncertain significance for Cranioectodermal dysplasia 1. Last evaluated: 2022-09-01. Review status: criteria provided, single submitter. Criteria: Invitae Variant Classification Sherloc (09022015). Collection method: clinical testing. Allele origin: germline.
Comment: In summary, the available evidence is currently insufficient to determine the role of this variant in disease. Therefore, it has been classified as a Variant of Uncertain Significance. Algorithms developed to predict the effect of missense changes on protein structure and function are either unavailable or do not agree on the potential impact of this missense change (SIFT: "Tolerated"; PolyPhen-2: "Probably Damaging"; Align-GVGD: "Class C0"). ClinVar contains an entry for this variant (Variation ID: 1435183). This variant has not been reported in the literature in individuals affected with IFT122-related conditions. This variant is present in population databases (rs758998922, gnomAD 0.005%). This sequence change replaces arginine, which is basic and polar, with glutamine, which is neutral and polar, at codon 1067 of the IFT122 protein (p.Arg1067Gln).

NM_052989.3(IFT122):c.3047G>A (p.Arg1016Gln)

Gene: IFT122 (intraflagellar transport 122; plus strand). Cytogenetic location: 3q22.1.
Variant type: single nucleotide variant.
Coding change: c.3047G>A on transcript NM_052989.3 (MANE Select); coding-DNA position 3047, G replaced by A.
Protein change: p.Arg1016Gln; replaces arginine 1016 with glutamine.
Molecular consequence: missense variant.
Genome position (GRCh38, 1-based): chr3:129,514,448, G>A. VCF-style: chr3-129514448-G-A. GRCh37 (hg19) VCF-style: chr3-129233291-G-A.
Other names: c.3026G>A, p.Arg1009Gln (NM_001280541.2); c.2597G>A, p.Arg866Gln (NM_001280545.2); c.2420G>A, p.Arg807Gln (NM_001280546.2); c.2870G>A, p.Arg957Gln (NM_018262.4); c.3200G>A, p.Arg1067Gln (NM_052985.4); c.2717G>A, p.Arg906Gln (NM_052990.3); short protein forms R1016Q, R807Q, R906Q, R957Q, R1009Q, R866Q, R1067Q.
Identifiers: ClinVar variation 1435183 (VCV001435183.4), dbSNP rs758998922, ClinGen allele CA2606764.